The following is an entry in ClinVar:

ClinVar aggregate classification (germline): Uncertain significance (1 of 4 stars; one submission).

Submission:

Ambry Genetics
Classification: Uncertain significance. Last evaluated: 2026-04-23. Review status: criteria provided, single submitter. Criteria: Ambry Variant Classification Scheme 2023. Collection method: clinical testing. Allele origin: germline.
Comment: The p.F360V variant (also known as c.1078T>G), located in coding exon 5 of the GFI1 gene, results from a T to G substitution at nucleotide position 1078. The phenylalanine at codon 360 is replaced by valine, an amino acid with highly similar properties. This amino acid position is conserved. In addition, this alteration is predicted to be tolerated by in silico analysis. Based on the available evidence, the clinical significance of this variant remains unclear.

NM_005263.5(GFI1):c.1078T>G (p.Phe360Val)

Gene: GFI1 (growth factor independent 1 transcriptional repressor; minus strand). Cytogenetic location: 1p22.1.
Variant type: single nucleotide variant.
Coding change: c.1078T>G on transcript NM_005263.5 (MANE Select); coding-DNA position 1078, T replaced by G.
Protein change: p.Phe360Val; replaces phenylalanine 360 with valine.
Molecular consequence: missense variant.
Genome position (GRCh38, 1-based): chr1:92,478,600, A>C on the plus strand (T>G on the coding strand, the complement: GFI1 is on the minus strand). VCF-style: chr1-92478600-A-C. GRCh37 (hg19) VCF-style: chr1-92944157-A-C.
Other names: c.1078T>G, p.Phe360Val (NM_001127215.3, NM_001127216.3); short protein forms F360V.
Identifiers: ClinVar variation 4858045 (VCV004858045.1).